The following is an entry in ClinVar:

ClinVar aggregate classification (germline): Conflicting classifications of pathogenicity. Review status: criteria provided, conflicting classifications (1 of 4 stars). 6 submissions from 6 submitters: Uncertain significance (1); Likely benign (4). 1 of the submissions does not count toward it. Last evaluated 2026-01-26.

Conditions:
LRP2-related disorder. Also called: LRP2-related condition.
Donnai-Barrow syndrome. Also called: DBS/FOAR SYNDROME; FACIOOCULOACOUSTICORENAL SYNDROME. Identifiers: Orphanet 2143, MedGen C1857277, MONDO:0009104, OMIM 222448.

Allele frequency attached by ClinVar (database versions not stated): ExAC 0.00010; gnomAD 0.00010; TOPMed 0.00010; gnomAD exomes 0.00015; 1000 Genomes Project 30x 0.00016; 1000 Genomes Project 0.00020; ESP Exome Variant Server 0.00031.
gnomAD v4.1: 217 of 1,614,174 alleles (0.013%); highest among the groups gnomAD compares: Middle Eastern, 0.049%; no homozygotes.

Submissions (6):

Labcorp Genetics (formerly Invitae), Labcorp
Classification: Likely benign. Last evaluated: 2026-01-26. Review status: criteria provided, single submitter. Criteria: Invitae Variant Classification Sherloc (09022015). Collection method: clinical testing. Allele origin: germline.

Blueprint Genetics
Classification: Likely benign. Last evaluated: 2024-11-12. Review status: criteria provided, single submitter. Criteria: ACMG Guidelines, 2015. Collection method: clinical testing. Allele origin: germline.

CeGaT Center for Human Genetics Tuebingen
Classification: Likely benign. Last evaluated: 2024-08-01. Review status: criteria provided, single submitter. Criteria: CeGaT Center For Human Genetics Tuebingen Variant Classification Criteria Version 2. Collection method: clinical testing. Allele origin: germline. Affected: yes. Observed: 3 variant alleles.
Comment: LRP2: BP4, BP7

Genome-Nilou Lab
Classification: Likely benign for Donnai-Barrow syndrome. Last evaluated: 2021-07-15. Review status: criteria provided, single submitter. Criteria: ACMG Guidelines, 2015. Collection method: clinical testing. Allele origin: germline. Affected: no.

Illumina Laboratory Services, Illumina
Classification: Uncertain significance for Donnai-Barrow syndrome. Last evaluated: 2018-01-12. Review status: criteria provided, single submitter. Criteria: ICSL Variant Classification Criteria 13 December 2019. Collection method: clinical testing. Allele origin: germline.

PreventionGenetics, part of Exact Sciences
Classification: Likely benign for LRP2-related condition. Last evaluated: 2022-02-07. Review status: no assertion criteria provided. Collection method: clinical testing. Allele origin: germline. Not counted in ClinVar's aggregate classification.
Comment: This variant is classified as likely benign based on ACMG/AMP sequence variant interpretation guidelines (Richards et al. 2015 PMID: 25741868, with internal and published modifications).

NM_004525.3(LRP2):c.8112C>A (p.Ser2704=)

Gene: LRP2 (LDL receptor related protein 2; minus strand). Cytogenetic location: 2q31.1.
Variant type: single nucleotide variant.
Coding change: c.8112C>A on transcript NM_004525.3 (MANE Select); coding-DNA position 8112, C replaced by A.
Protein change: p.Ser2704=; no amino-acid change (serine 2704 retained).
Molecular consequence: synonymous variant.
Genome position (GRCh38, 1-based): chr2:169,202,853, G>T on the plus strand (C>A on the coding strand, the complement: LRP2 is on the minus strand). VCF-style: chr2-169202853-G-T. GRCh37 (hg19) VCF-style: chr2-170059363-G-T.
Identifiers: ClinVar variation 332129 (VCV000332129.42), dbSNP rs148473513, ClinGen allele CA1953931.